The following is an entry in ClinVar:

NM_000238.4(KCNH2):c.2679G>A (p.Arg893=)

Gene: KCNH2 (potassium voltage-gated channel subfamily H member 2; minus strand). Cytogenetic location: 7q36.1.
Variant type: single nucleotide variant.
Coding change: c.2679G>A on transcript NM_000238.4 (MANE Select); coding-DNA position 2679, G replaced by A.
Protein change: p.Arg893=; no amino-acid change (arginine 893 retained).
Molecular consequence: synonymous variant.
Genome position (GRCh38, 1-based): chr7:150,948,457, C>T on the plus strand (G>A on the coding strand, the complement: KCNH2 is on the minus strand). VCF-style: chr7-150948457-C-T. GRCh37 (hg19) VCF-style: chr7-150645545-C-T.
Other names: c.1659G>A, p.Arg553= (NM_172057.3).
Identifiers: ClinVar variation 746531 (VCV000746531.10), dbSNP rs1584846932, ClinGen allele CA458644975.
Genomic context (GRCh38, chr7:150,948,457, plus strand): 5'-CCTCACCTTGTCCCCGCCCTCCCCCTTCCTCCCCTCCCCCGCCTCACCCTTGTCCGTGCG[C>T]CTGCGGAAGGACAACTTGCGCTTGCGTTGCCGACTGAAGCCACCCTCTAACTCCGTACTG-3'
Protein context (NP_000229.1, residues 883-903): RQRKRKLSFR[Arg893=]RTDKDTEQPG

ClinVar aggregate classification (germline): Likely benign. Review status: criteria provided, multiple submitters, no conflicts (2 of 4 stars). 3 submissions from 3 submitters: Likely benign (3). Last evaluated 2023-11-20.

Conditions:
Long QT syndrome (LQTS). Identifiers: MedGen C0023976, MeSH D008133, MONDO:0002442. Disease mechanism: loss of function. Inheritance: Various modes of inheritance.
Cardiac arrhythmia. Also called: Arrhythmia; Cardiac rhythm disease. Identifiers: MedGen C0003811, MONDO:0007263, HP:0011675.

Submissions (3):

All of Us Research Program, National Institutes of Health
Classification: Likely benign for Long QT syndrome. Last evaluated: 2023-11-20. Review status: criteria provided, single submitter. Criteria: ACMG Guidelines, 2015. Collection method: clinical testing. Allele origin: germline. Inheritance: Autosomal dominant inheritance. Observed: 1 variant allele, 1 heterozygote.
Comment: This study involves interpretation of variants in research participants for the purpose of population health screening. Participant phenotype was not available at the time of variant classification. Additional details can be found in publication PMID: 35346344, PMCID: PMC8962531

Color Diagnostics, LLC DBA Color Health
Classification: Likely benign for Cardiac arrhythmia. Last evaluated: 2023-11-01. Review status: criteria provided, single submitter. Criteria: ACMG Guidelines, 2015. Collection method: clinical testing. Allele origin: germline.

Labcorp Genetics (formerly Invitae), Labcorp
Classification: Likely benign for Long QT syndrome. Last evaluated: 2023-06-27. Review status: criteria provided, single submitter. Criteria: Invitae Variant Classification Sherloc (09022015). Collection method: clinical testing. Allele origin: germline.